The following is an entry in ClinVar:

ClinVar aggregate classification (germline): Uncertain significance (1 of 4 stars; one submission).

Conditions:
Noonan syndrome 9 (NS9). Identifiers: Orphanet 648, MedGen C4225282, MONDO:0014691, OMIM 616559.

Submission:

Labcorp Genetics (formerly Invitae), Labcorp
Classification: Uncertain significance for Noonan syndrome 9. Last evaluated: 2025-01-20. Review status: criteria provided, single submitter. Criteria: Invitae Variant Classification Sherloc (09022015). Collection method: clinical testing. Allele origin: germline.
Comment: This sequence change replaces lysine, which is basic and polar, with glutamine, which is neutral and polar, at codon 722 of the SOS2 protein (p.Lys722Gln). This variant is not present in population databases (gnomAD no frequency). This variant has not been reported in the literature in individuals affected with SOS2-related conditions. Invitae Evidence Modeling of protein sequence and biophysical properties (such as structural, functional, and spatial information, amino acid conservation, physicochemical variation, residue mobility, and thermodynamic stability) has been performed for this missense variant. However, the output from this modeling did not meet the statistical confidence thresholds required to predict the impact of this variant on SOS2 protein function. In summary, the available evidence is currently insufficient to determine the role of this variant in disease. Therefore, it has been classified as a Variant of Uncertain Significance.

NM_006939.4(SOS2):c.2164A>C (p.Lys722Gln)

Gene: SOS2 (SOS Ras/Rho guanine nucleotide exchange factor 2; minus strand). Cytogenetic location: 14q21.3.
Variant type: single nucleotide variant.
Coding change: c.2164A>C on transcript NM_006939.4 (MANE Select); coding-DNA position 2164, A replaced by C.
Protein change: p.Lys722Gln; replaces lysine 722 with glutamine.
Molecular consequence: missense variant.
Genome position (GRCh38, 1-based): chr14:50,150,228, T>G on the plus strand (A>C on the coding strand, the complement: SOS2 is on the minus strand). VCF-style: chr14-50150228-T-G. GRCh37 (hg19) VCF-style: chr14-50616946-T-G.
Other names: c.2065A>C, p.Lys689Gln (NM_001411020.1); short protein forms K689Q, K722Q.
Identifiers: ClinVar variation 3708201 (VCV003708201.2).